The following is an entry in ClinVar:

ClinVar aggregate classification (germline): Benign/Likely benign. Review status: criteria provided, multiple submitters, no conflicts (2 of 4 stars). 4 submissions from 4 submitters: Benign (2); Likely benign (1). 1 of the submissions does not count toward it. Last evaluated 2018-08-09.

Allele frequency attached by ClinVar (database versions not stated): ESP Exome Variant Server 0.07239; gnomAD exomes 0.16854 and 0.20731; ExAC 0.21252; gnomAD 0.21889 and 0.22307; TOPMed 0.22413; 1000 Genomes Project 0.29153; 1000 Genomes Project 30x 0.30106.
gnomAD v4.1: 281,141 of 1,612,848 alleles (17%); highest among the groups gnomAD compares: African/African-American, 35%; 28,405 homozygotes.

Submissions (4):

GeneDx
Classification: Benign. Last evaluated: 2018-08-09. Review status: criteria provided, single submitter. Criteria: GeneDx Variant Classification Process June 2021. Collection method: clinical testing. Allele origin: germline. Affected: yes.

Blueprint Genetics
Classification: Likely benign. Last evaluated: 2018-06-27. Review status: criteria provided, single submitter. Criteria: ACMG Guidelines, 2015. Collection method: clinical testing. Allele origin: germline.

Breakthrough Genomics
Classification: Benign. Review status: criteria provided, single submitter. Criteria: ACMG Guidelines, 2015. Collection method: not provided. Allele origin: germline. Inheritance: Autosomal recessive inheritance. Affected: yes.

Genetic Services Laboratory, University of Chicago
Classification: Likely benign. Review status: no assertion criteria provided. Collection method: clinical testing. Allele origin: germline. Inheritance: Autosomal unknown. Not counted in ClinVar's aggregate classification.
Comment: Likely benign based on allele frequency in 1000 Genomes Project or ESP global frequency and its presence in a patient with a rare or unrelated disease phenotype. NOT Sanger confirmed

NM_000352.6(ABCC8):c.2292-34T>C

Genes: ABCC8 (ATP binding cassette subfamily C member 8; minus strand), LOC110121471 (VISTA enhancer hs1977; plus strand). Cytogenetic location: 11p15.1.
Variant type: single nucleotide variant.
Coding change: c.2292-34T>C on transcript NM_000352.6 (MANE Select); 34 bases into the intron before coding-DNA position 2292, T replaced by C.
Molecular consequence: intron variant.
Genome position (GRCh38, 1-based): chr11:17,414,644, A>G on the plus strand (T>C on the coding strand, the complement: ABCC8 is on the minus strand). VCF-style: chr11-17414644-A-G. GRCh37 (hg19) VCF-style: chr11-17436191-A-G.
Other names: c.2289-34T>C (NM_001351297.2); c.2292-34T>C (NM_001351296.2); c.2358-34T>C (NM_001351295.2); c.2295-34T>C (NM_001287174.3).
Identifiers: ClinVar variation 157690 (VCV000157690.9), dbSNP rs1800852, ClinGen allele CA171058.